The following is an entry in ClinVar:

NM_001267727.2(ARSG):c.253T>C (p.Ser85Pro)

Gene: ARSG (arylsulfatase G; plus strand). Cytogenetic location: 17q24.2.
Variant type: single nucleotide variant.
Coding change: c.253T>C on transcript NM_001267727.2 (MANE Select); coding-DNA position 253, T replaced by C.
Protein change: p.Ser85Pro; replaces serine 85 with proline.
Molecular consequence: missense variant.
Genome position (GRCh38, 1-based): chr17:68,343,638, T>C. VCF-style: chr17-68343638-T-C. GRCh37 (hg19) VCF-style: chr17-66339779-T-C.
Other names: c.253T>C, p.Ser85Pro (NM_001352899.2, NM_001352900.2, NM_001352901.2 and 9 more transcripts); short protein forms S85P.
Identifiers: ClinVar variation 961169 (VCV000961169.15), dbSNP rs141748845, ClinGen allele CA8728144.

ClinVar aggregate classification (germline): Conflicting classifications of pathogenicity. Review status: criteria provided, conflicting classifications (1 of 4 stars). 4 submissions from 4 submitters: Likely pathogenic (1); Uncertain significance (1). 2 of the submissions do not count toward it. Last evaluated 2025-05-27.

Conditions:
Usher syndrome, type 4. Also called: USHER SYNDROME, TYPE IV. Identifiers: MedGen C4748364, MONDO:0029141, OMIM 618144.

Allele frequency attached by ClinVar (database versions not stated): ExAC 0.00001; gnomAD 0.00001 and 0.00002; gnomAD exomes 0.00001 and 0.00004; TOPMed 0.00003; ESP Exome Variant Server 0.00008.
gnomAD v4.1: 69 of 1,613,362 alleles (0.0043%); highest among the groups gnomAD compares: Non-Finnish European, 0.0053%; no homozygotes.

Submissions (4):

Labcorp Genetics (formerly Invitae), Labcorp
Classification: Likely pathogenic. Last evaluated: 2025-05-27. Review status: criteria provided, single submitter. Criteria: Invitae Variant Classification Sherloc (09022015). Collection method: clinical testing. Allele origin: germline.
Comment: This sequence change replaces serine, which is neutral and polar, with proline, which is neutral and non-polar, at codon 85 of the ARSG protein (p.Ser85Pro). This variant is present in population databases (rs141748845, gnomAD 0.002%). This missense change has been observed in individual(s) with Usher syndrome (PMID: 33300174). In at least one individual the data is consistent with being in trans (on the opposite chromosome) from a pathogenic variant. ClinVar contains an entry for this variant (Variation ID: 961169). Invitae Evidence Modeling of protein sequence and biophysical properties (such as structural, functional, and spatial information, amino acid conservation, physicochemical variation, residue mobility, and thermodynamic stability) indicates that this missense variant is expected to disrupt ARSG protein function with a positive predictive value of 80%. In summary, the currently available evidence indicates that the variant is pathogenic, but additional data are needed to prove that conclusively. Therefore, this variant has been classified as Likely Pathogenic.

Blueprint Genetics
Classification: Uncertain significance. Last evaluated: 2024-10-25. Review status: criteria provided, single submitter. Criteria: ACMG Guidelines, 2015. Collection method: clinical testing. Allele origin: germline.

OMIM
Classification: Pathogenic for USHER SYNDROME, TYPE IV. Last evaluated: 2023-01-21. Review status: no assertion criteria provided. Collection method: literature only. Allele origin: germline. Not counted in ClinVar's aggregate classification.

Division of Genetic Medicine, Lausanne University Hospital
Classification: Pathogenic for Usher syndrome, type 4. Last evaluated: 2020-12-23. Review status: no assertion criteria provided. Collection method: clinical testing. Allele origin: unknown. Inheritance: Autosomal recessive inheritance. Affected: yes. Observed: 1 compound heterozygote. Not counted in ClinVar's aggregate classification.

Literature cited by the submitters: PubMed 33300174 (cited by Labcorp Genetics (formerly Invitae), Labcorp and Division of Genetic Medicine, Lausanne University Hospital); PubMed 36317447 (cited by OMIM).